The following is an entry in ClinVar:

ClinVar aggregate classification (germline): Uncertain significance. Review status: criteria provided, multiple submitters, no conflicts (2 of 4 stars). 2 submissions from 2 submitters: Uncertain significance (2). Last evaluated 2023-09-13.

Conditions:
Autosomal dominant nonsyndromic hearing loss 6 (LFSNHL). Also called: DEAFNESS, AUTOSOMAL DOMINANT 14; DEAFNESS, AUTOSOMAL DOMINANT 38; DEAFNESS, AUTOSOMAL DOMINANT 6; Autosomal dominant nonsyndromic deafness 6. Identifiers: Orphanet 90635, MedGen C1833021, MONDO:0010963, OMIM 600965.
Type 2 diabetes mellitus. Also called: Type II diabetes mellitus. Identifiers: MedGen C0011860, MeSH D003924, MONDO:0005148, OMIM 125853, HP:0005978.
Cataract 41 (CTRCT41). Also called: CATARACT 41, CONGENITAL NUCLEAR TYPE. Identifiers: Orphanet 91492, Orphanet 98991, Orphanet 98992, Orphanet 98995, MedGen C3805412, MONDO:0007287, OMIM 116400.
Wolfram syndrome 1 (WFS1). Identifiers: Orphanet 3463, MedGen C4551693, MONDO:0009101, OMIM 222300.
Wolfram-like syndrome. Also called: HEARING LOSS, PROGRESSIVE, WITH OPTIC ATROPHY AND/OR IMPAIRED GLUCOSE REGULATION. Identifiers: Orphanet 411590, MedGen C3280358, MONDO:0013673, OMIM 614296.

Allele frequency attached by ClinVar (database versions not stated): gnomAD exomes 0.00001; TOPMed 0.00001.
gnomAD v4.1: 4 of 1,612,900 alleles (0.00025%); highest among the groups gnomAD compares: Middle Eastern, 0.016%; no homozygotes.

Submissions (2):

Labcorp Genetics (formerly Invitae), Labcorp
Classification: Uncertain significance. Last evaluated: 2023-09-13. Review status: criteria provided, single submitter. Criteria: Invitae Variant Classification Sherloc (09022015). Collection method: clinical testing. Allele origin: germline.
Comment: ClinVar contains an entry for this variant (Variation ID: 1463670). In summary, the available evidence is currently insufficient to determine the role of this variant in disease. Therefore, it has been classified as a Variant of Uncertain Significance. Advanced modeling of protein sequence and biophysical properties (such as structural, functional, and spatial information, amino acid conservation, physicochemical variation, residue mobility, and thermodynamic stability) has been performed at Invitae for this missense variant, however the output from this modeling did not meet the statistical confidence thresholds required to predict the impact of this variant on WFS1 protein function. This missense change has been observed in individual(s) with deafness (PMID: 26969326). This variant is not present in population databases (gnomAD no frequency). This sequence change replaces alanine, which is neutral and non-polar, with valine, which is neutral and non-polar, at codon 761 of the WFS1 protein (p.Ala761Val).

Fulgent Genetics
Classification: Uncertain significance for Cataract 41; Type 2 diabetes mellitus; Wolfram syndrome 1; Autosomal dominant nonsyndromic hearing loss 6; Wolfram-like syndrome. Last evaluated: 2022-05-13. Review status: criteria provided, single submitter. Criteria: ACMG Guidelines, 2015. Collection method: clinical testing. Allele origin: unknown.

Literature cited by the submitters: PubMed 26969326 (cited by Labcorp Genetics (formerly Invitae), Labcorp).

NM_006005.3(WFS1):c.2282C>T (p.Ala761Val)

Gene: WFS1 (wolframin ER transmembrane glycoprotein; plus strand). Cytogenetic location: 4p16.1.
Variant type: single nucleotide variant.
Coding change: c.2282C>T on transcript NM_006005.3 (MANE Select); coding-DNA position 2282, C replaced by T.
Protein change: p.Ala761Val; replaces alanine 761 with valine.
Molecular consequence: missense variant.
Genome position (GRCh38, 1-based): chr4:6,302,077, C>T. VCF-style: chr4-6302077-C-T. GRCh37 (hg19) VCF-style: chr4-6303804-C-T.
Other names: c.2282C>T, p.Ala761Val (NM_001145853.1); short protein forms A761V.
Identifiers: ClinVar variation 1463670 (VCV001463670.7), dbSNP rs71526459, ClinGen allele CA91797005.